The following is an entry in ClinVar:

ClinVar aggregate classification (germline): Uncertain significance (1 of 4 stars; one submission).

Conditions:
Hereditary cancer-predisposing syndrome. Also called: Neoplastic Syndromes, Hereditary; Tumor predisposition; Hereditary Cancer Syndrome; Hereditary neoplastic syndrome. Identifiers: Orphanet 140162, MedGen C0027672, MeSH D009386, MONDO:0015356.

Submission:

Ambry Genetics
Classification: Uncertain significance for Hereditary cancer-predisposing syndrome. Last evaluated: 2019-10-02. Review status: criteria provided, single submitter. Criteria: Ambry Variant Classification Scheme 2023. Collection method: clinical testing. Allele origin: germline.
Comment: The p.G335V variant (also known as c.1004G>T), located in coding exon 7 of the ATM gene, results from a G to T substitution at nucleotide position 1004. The glycine at codon 335 is replaced by valine, an amino acid with dissimilar properties. This amino acid position is highly conserved in available vertebrate species. In addition, the in silico prediction for this alteration is inconclusive. Since supporting evidence is limited at this time, the clinical significance of this alteration remains unclear.

NM_000051.4(ATM):c.1004G>T (p.Gly335Val)

Gene: ATM (ATM serine/threonine kinase; plus strand). Cytogenetic location: 11q22.3.
Variant type: single nucleotide variant.
Coding change: c.1004G>T on transcript NM_000051.4 (MANE Select); coding-DNA position 1004, G replaced by T.
Protein change: p.Gly335Val; replaces glycine 335 with valine.
Molecular consequence: missense variant.
Genome position (GRCh38, 1-based): chr11:108,247,066, G>T. VCF-style: chr11-108247066-G-T. GRCh37 (hg19) VCF-style: chr11-108117793-G-T.
Other names: c.1004G>T, p.Gly335Val (NM_001351834.2); short protein forms G335V.
Identifiers: ClinVar variation 1779173 (VCV001779173.2), dbSNP rs1440510829, ClinGen allele CA382531383.
Genomic context (GRCh38, chr11:108,247,066, plus strand): 5'-TATATGATCTGCTAGTGAATGAGATAAGTCATATAGGAAGTAGAGGAAAGTATTCTTCAG[G>T]ATTTCGTAATATTGCCGTCAAAGAAAATTTGATTGAATTGATGGCAGATATCTGTCACCA-3'
Protein context (NP_000042.3, residues 325-345): HIGSRGKYSS[Gly335Val]FRNIAVKENL